The following is an entry in ClinVar:

NM_007294.4(BRCA1):c.739A>G (p.Asn247Asp)

Gene: BRCA1 (BRCA1 DNA repair associated; minus strand). Cytogenetic location: 17q21.31.
Variant type: single nucleotide variant.
Coding change: c.739A>G on transcript NM_007294.4 (MANE Select); coding-DNA position 739, A replaced by G.
Protein change: p.Asn247Asp; replaces asparagine 247 with aspartic acid.
Molecular consequence: missense variant. On other transcripts: non-coding transcript variant (1).
Genome position (GRCh38, 1-based): chr17:43,094,792, T>C on the plus strand (A>G on the coding strand, the complement: BRCA1 is on the minus strand). VCF-style: chr17-43094792-T-C. GRCh37 (hg19) VCF-style: chr17-41246809-T-C.
Other names: c.526A>G, p.Asn176Asp (NM_001407571.1, NM_001407853.1, NM_001407894.1 and 12 more transcripts); c.739A>G, p.Asn247Asp (NM_001407581.1, NM_001407582.1, NM_001407583.1 and 54 more transcripts); c.736A>G, p.Asn246Asp (NM_001407587.1, NM_001407590.1, NM_001407591.1 and 38 more transcripts); c.730A>G, p.Asn244Asp (NM_001407646.1, NM_001407647.1, NM_001408408.1); c.616A>G, p.Asn206Asp (NM_001407648.1, NM_001407664.1, NM_001407665.1 and 34 more transcripts); c.613A>G, p.Asn205Asp (NM_001407649.1, NM_001407670.1, NM_001407671.1 and 20 more transcripts); c.661A>G, p.Asn221Asp (NM_001407653.1, NM_001407654.1, NM_001407655.1 and 9 more transcripts); c.658A>G, p.Asn220Asp (NM_001407659.1, NM_001407660.1, NM_001407661.1 and 3 more transcripts); and 14 more; short protein forms N247D, N200D, N136D, N158D, N159D, N179D, N205D, N244D.
Identifiers: ClinVar variation 232600 (VCV000232600.13), dbSNP rs767720128, ClinGen allele CA10580688.

ClinVar aggregate classification (germline): Likely benign. Review status: criteria provided, multiple submitters, no conflicts (2 of 4 stars). 3 submissions from 3 submitters: Likely benign (3). Last evaluated 2023-03-23.

Conditions:
Hereditary cancer-predisposing syndrome. Also called: Neoplastic Syndromes, Hereditary; Tumor predisposition; Hereditary Cancer Syndrome; Hereditary neoplastic syndrome. Identifiers: Orphanet 140162, MedGen C0027672, MeSH D009386, MONDO:0015356.

Allele frequency attached by ClinVar (database versions not stated): gnomAD exomes below 0.00001.
gnomAD v4.1: 1 of 1,613,382 alleles (0.000062%); highest among the groups gnomAD compares: Non-Finnish European, 0.000085%; no homozygotes.

Submissions (3):

University of Washington Department of Laboratory Medicine, University of Washington
Classification: Likely benign for Hereditary cancer-predisposing syndrome. Last evaluated: 2023-03-23. Review status: criteria provided, single submitter. Criteria: Dines et al. (Genet Med. 2020). Collection method: curation. Allele origin: germline.
Comment: Missense variant in a coldspot region where missense variants are very unlikely to be pathogenic (PMID:31911673).

BRCA1 coldspot (exon 11 using historical exon numbering). Reclassification based on statistical prior probability

ARUP Laboratories, Molecular Genetics and Genomics, ARUP Laboratories
Classification: Likely benign. Last evaluated: 2018-01-03. Review status: criteria provided, single submitter. Criteria: ARUP Molecular Germline Variant Investigation Process. Collection method: clinical testing. Allele origin: germline.
Comment: The BRCA1 c.739A>G; p.Asn247Asp variant is not published in the medical literature or in gene-specific databases. The variant is listed as likely benign in the ClinVar database (Variation ID: 232600). The variant is listed in the dbSNP variant database but is not listed in the general population databases (Exome Variant Server, Genome Aggregation Database). The asparagine at this position is not well conserved across species and computational algorithms (AlignGVGD, PolyPhen2, SIFT) predict this variant is tolerated. Considering available information, this variant is classified as likely benign.

Ambry Genetics
Classification: Likely benign for Hereditary cancer-predisposing syndrome. Last evaluated: 2015-06-28. Review status: criteria provided, single submitter. Criteria: Ambry Variant Classification Scheme 2023. Collection method: clinical testing. Allele origin: germline.